The following is an entry in ClinVar:

ClinVar aggregate classification (germline): Uncertain significance (1 of 4 stars; one submission).

Allele frequency attached by ClinVar (database versions not stated): ExAC 0.00001; gnomAD exomes 0.00002; TOPMed 0.00003; gnomAD 0.00004.
gnomAD v4.1: 30 of 1,613,376 alleles (0.0019%); highest among the groups gnomAD compares: Admixed American, 0.0033%; no homozygotes.

Submission:

Labcorp Genetics (formerly Invitae), Labcorp
Classification: Uncertain significance. Last evaluated: 2022-07-09. Review status: criteria provided, single submitter. Criteria: Invitae Variant Classification Sherloc (09022015). Collection method: clinical testing. Allele origin: germline.
Comment: This variant has not been reported in the literature in individuals affected with CKAP2L-related conditions. Algorithms developed to predict the effect of missense changes on protein structure and function are either unavailable or do not agree on the potential impact of this missense change (SIFT: "Deleterious"; PolyPhen-2: "Probably Damaging"; Align-GVGD: "Class C0"). In summary, the available evidence is currently insufficient to determine the role of this variant in disease. Therefore, it has been classified as a Variant of Uncertain Significance. This variant is present in population databases (rs769619426, gnomAD 0.006%). This sequence change replaces alanine, which is neutral and non-polar, with valine, which is neutral and non-polar, at codon 733 of the CKAP2L protein (p.Ala733Val).

NM_152515.5(CKAP2L):c.2198C>T (p.Ala733Val)

Genes: CKAP2L (cytoskeleton associated protein 2 like; minus strand), NT5DC4 (5'-nucleotidase domain containing 4; plus strand). Cytogenetic location: 2q14.1.
Variant type: single nucleotide variant.
Coding change: c.2198C>T on transcript NM_152515.5 (MANE Select); coding-DNA position 2198, C replaced by T.
Protein change: p.Ala733Val; replaces alanine 733 with valine.
Molecular consequence: missense variant. On other transcripts: non-coding transcript variant (1), intron variant (2).
Genome position (GRCh38, 1-based): chr2:112,738,863, G>A on the plus strand (C>T on the coding strand, the complement: CKAP2L is on the minus strand). VCF-style: chr2-112738863-G-A. GRCh37 (hg19) VCF-style: chr2-113496440-G-A.
Other names: c.1703C>T, p.Ala568Val (NM_001304361.2); c.1345-50G>A (NM_001393655.1); c.1249-3549G>A (NM_001350494.2); short protein forms A733V, A568V.
Identifiers: ClinVar variation 2200479 (VCV002200479.4), dbSNP rs769619426, ClinGen allele CA1836446.